The following is an entry in ClinVar:

NM_030962.4(SBF2):c.5375C>G (p.Ala1792Gly)

Genes: SBF2 (SET binding factor 2; minus strand), SBF2-AS1 (SBF2 antisense RNA 1; plus strand), LOC105369149 (uncharacterized LOC105369149; plus strand). Cytogenetic location: 11p15.4.
Variant type: single nucleotide variant.
Coding change: c.5375C>G on transcript NM_030962.4 (MANE Select); coding-DNA position 5375, C replaced by G.
Protein change: p.Ala1792Gly; replaces alanine 1792 with glycine.
Molecular consequence: missense variant.
Genome position (GRCh38, 1-based): chr11:9,781,583, G>C on the plus strand (C>G on the coding strand, the complement: SBF2 is on the minus strand). VCF-style: chr11-9781583-G-C. GRCh37 (hg19) VCF-style: chr11-9803130-G-C.
Other names: c.5471C>G, p.Ala1824Gly (NM_001386339.1); c.5246C>G, p.Ala1749Gly (NM_001386342.1); short protein forms A1792G, A1749G, A1824G.
Identifiers: ClinVar variation 567313 (VCV000567313.9), dbSNP rs1554897834, ClinGen allele CA379630388.

ClinVar aggregate classification (germline): Uncertain significance (1 of 4 stars; one submission).

Conditions:
Charcot-Marie-Tooth disease type 4. Also called: Charcot-Marie-Tooth, Type 4; Charcot-Marie-Tooth disease, type IV. Identifiers: Orphanet 64749, MedGen C4082197, MONDO:0018995.

Submission:

Labcorp Genetics (formerly Invitae), Labcorp
Classification: Uncertain significance for Charcot-Marie-Tooth disease type 4. Last evaluated: 2018-06-19. Review status: criteria provided, single submitter. Criteria: Invitae Variant Classification Sherloc (09022015). Collection method: clinical testing. Allele origin: germline.
Comment: This sequence change replaces alanine with glycine at codon 1792 of the SBF2 protein (p.Ala1792Gly). The alanine residue is highly conserved and there is a small physicochemical difference between alanine and glycine. This variant has not been reported in the literature in individuals with SBF2-related disease. This variant is not present in population databases (ExAC no frequency). In summary, the available evidence is currently insufficient to determine the role of this variant in disease. Therefore, it has been classified as a Variant of Uncertain Significance. Algorithms developed to predict the effect of missense changes on protein structure and function are either unavailable or do not agree on the potential impact of this missense change (SIFT: "Deleterious"; PolyPhen-2: "Benign"; Align-GVGD: "Class C0").